The following is an entry in ClinVar:

NM_020297.4(ABCC9):c.869A>T (p.Tyr290Phe)

Gene: ABCC9 (ATP binding cassette subfamily C member 9; minus strand). Cytogenetic location: 12p12.1.
Variant type: single nucleotide variant.
Coding change: c.869A>T on transcript NM_020297.4 (MANE Select); coding-DNA position 869, A replaced by T.
Protein change: p.Tyr290Phe; replaces tyrosine 290 with phenylalanine.
Molecular consequence: missense variant.
Genome position (GRCh38, 1-based): chr12:21,913,014, T>A on the plus strand (A>T on the coding strand, the complement: ABCC9 is on the minus strand). VCF-style: chr12-21913014-T-A. GRCh37 (hg19) VCF-style: chr12-22065948-T-A.
Other names: c.869A>T, p.Tyr290Phe (NM_001377273.1, NM_005691.4); c.5A>T, p.Tyr2Phe (NM_001377274.1); short protein forms Y290F, Y2F.
Identifiers: ClinVar variation 2075937 (VCV002075937.7), dbSNP rs752072949, ClinGen allele CA6481780.
Genomic context (GRCh38, chr12:21,913,014, plus strand): 5'-AGTAAATCAGCCAGATAGCGGAATGTGCTACTAAGTAGAATTGGTCGCCCAAAAGCTCTG[T>A]ACATTGCAAGCCATATAGATGGAGTCCGATTTGGATGATCTGCAACTTTTTTCTGAAGAA-3'
Protein context (NP_064693.2, residues 280-300): NRTPSIWLAM[Tyr290Phe]RAFGRPILLS

ClinVar aggregate classification (germline): Uncertain significance. Review status: criteria provided, multiple submitters, no conflicts (2 of 4 stars). 3 submissions from 3 submitters: Uncertain significance (3). Last evaluated 2025-05-13.

Conditions:
Dilated cardiomyopathy 1O (CMD1O). Also called: CARDIOMYOPATHY, DILATED, WITH VENTRICULAR TACHYCARDIA. Identifiers: Orphanet 154, MedGen C1837839, MONDO:0012062, OMIM 608569.

Allele frequency attached by ClinVar (database versions not stated): TOPMed below 0.00001; gnomAD 0.00001; ExAC 0.00002.

Submissions (3):

Labcorp Genetics (formerly Invitae), Labcorp
Classification: Uncertain significance for Dilated cardiomyopathy 1O. Last evaluated: 2025-05-13. Review status: criteria provided, single submitter. Criteria: Invitae Variant Classification Sherloc (09022015). Collection method: clinical testing. Allele origin: germline.
Comment: This sequence change replaces tyrosine, which is neutral and polar, with phenylalanine, which is neutral and non-polar, at codon 290 of the ABCC9 protein (p.Tyr290Phe). This variant is present in population databases (rs752072949, gnomAD 0.002%). This variant has not been reported in the literature in individuals affected with ABCC9-related conditions. ClinVar contains an entry for this variant (Variation ID: 2075937). Invitae Evidence Modeling of protein sequence and biophysical properties (such as structural, functional, and spatial information, amino acid conservation, physicochemical variation, residue mobility, and thermodynamic stability) indicates that this missense variant is not expected to disrupt ABCC9 protein function with a negative predictive value of 95%. In summary, the available evidence is currently insufficient to determine the role of this variant in disease. Therefore, it has been classified as a Variant of Uncertain Significance.

Women's Health and Genetics/Laboratory Corporation of America, LabCorp
Classification: Uncertain significance. Last evaluated: 2024-02-01. Review status: criteria provided, single submitter. Criteria: LabCorp Variant Classification Summary - May 2015. Collection method: clinical testing. Allele origin: germline.
Comment: Variant summary: ABCC9 c.869A>T (p.Tyr290Phe) results in a conservative amino acid change in the encoded protein sequence. Three of five in-silico tools predict a benign effect of the variant on protein function. The variant allele was found at a frequency of 8e-06 in 250104 control chromosomes. The available data on variant occurrences in the general population are insufficient to allow any conclusion about variant significance. To our knowledge, no occurrence of c.869A>T in individuals affected with Cardiomyopathy and no experimental evidence demonstrating its impact on protein function have been reported. ClinVar contains an entry for this variant (Variation ID: 2075937). Based on the evidence outlined above, the variant was classified as uncertain significance.

Blueprint Genetics
Classification: Uncertain significance. Last evaluated: 2023-05-11. Review status: criteria provided, single submitter. Criteria: ACMG Guidelines, 2015. Collection method: clinical testing. Allele origin: germline.